The following is an entry in ClinVar:

NM_005654.6(NR2F1):c.462_463+19del

Genes: NR2F1 (nuclear receptor subfamily 2 group F member 1; plus strand), NR2F1-AS1 (NR2F1 regulatory antisense RNA 1; minus strand). Cytogenetic location: 5q15.
Variant type: Deletion.
Coding change: c.462_463+19del on transcript NM_005654.6 (MANE Select); coding-DNA position 462 through 19 bases into the intron after coding-DNA position 463, 21 bases deleted (AGGTGAATATTTCTTCTCTGC).
Molecular consequence: splice donor variant. On other transcripts: non-coding transcript variant (8).
Genome position (GRCh38, 1-based): chr5:93,585,485-93,585,505, AGGTGAATATTTCTTCTCTGC deleted. VCF-style (leftmost placement, unchanged base first): chr5-93585484-AAGGTGAATATTTCTTCTCTGC-A. GRCh37 (hg19) VCF-style: chr5-92921190-AAGGTGAATATTTCTTCTCTGC-A.
Identifiers: ClinVar variation 2636551 (VCV002636551.1), dbSNP rs2480802549, ClinGen allele CA2695198699.

ClinVar aggregate classification (germline): Uncertain significance (1 of 4 stars; one submission).

Conditions:
NR2F1-related disorder. Also called: NR2F1-related condition.

Submission:

PreventionGenetics, part of Exact Sciences
Classification: Uncertain significance for NR2F1-related condition. Last evaluated: 2022-08-30. Review status: criteria provided, single submitter. Criteria: ACMG Guidelines, 2015. Collection method: clinical testing. Allele origin: germline.
Comment: The NR2F1 c.462_463+19del21 variant is predicted to result in a deletion affecting a canonical splice site. To our knowledge, this variant has not been reported in the literature or in a large population database, indicating this variant is rare. This variant is interpreted as likely pathogenic.